The following is an entry in ClinVar:

NM_002029.4(FPR1):c.440T>C (p.Ile147Thr)

Gene: FPR1 (formyl peptide receptor 1; minus strand). Cytogenetic location: 19q13.41.
Variant type: single nucleotide variant.
Coding change: c.440T>C on transcript NM_002029.4 (MANE Select); coding-DNA position 440, T replaced by C.
Protein change: p.Ile147Thr; replaces isoleucine 147 with threonine.
Molecular consequence: missense variant.
Genome position (GRCh38, 1-based): chr19:51,746,555, A>G on the plus strand (T>C on the coding strand, the complement: FPR1 is on the minus strand). VCF-style: chr19-51746555-A-G. GRCh37 (hg19) VCF-style: chr19-52249808-A-G.
Other names: c.440T>C, p.Ile147Thr (NM_001193306.2); short protein forms I147T.
Identifiers: ClinVar variation 841167 (VCV000841167.11), dbSNP rs142367736, ClinGen allele CA9616462.
Genomic context (GRCh38, chr19:51,746,555, plus strand): 5'-ACTGTAGTCACACGAATGATAACTGGCAATGTGAGGAGCAGAGCCATCACCCAGGGCCCA[A>G]TGATCACCTTCTTGGCCAGGCTCACGGTGCGGTGGTTCTGGGTCCAGACTGGATGCAGGA-3'
Protein context (NP_002020.1, residues 137-157): RTVSLAKKVI[Ile147Thr]GPWVMALLLT

ClinVar aggregate classification (germline): Uncertain significance. Review status: criteria provided, multiple submitters, no conflicts (2 of 4 stars). 2 submissions from 2 submitters: Uncertain significance (2). Last evaluated 2026-01-04.

Conditions:
Gingival disorder. Also called: Gingival disease. Identifiers: MedGen C0017563, MONDO:0002021.

Allele frequency attached by ClinVar (database versions not stated): gnomAD exomes 0.00030 and 0.00046; ExAC 0.00036; 1000 Genomes Project 0.00040; gnomAD 0.00041; ESP Exome Variant Server 0.00046; 1000 Genomes Project 30x 0.00047; TOPMed 0.00050.
gnomAD v4.1: 738 of 1,614,176 alleles (0.046%); highest among the groups gnomAD compares: African/African-American, 0.06%; 1 homozygote.

Submissions (2):

Labcorp Genetics (formerly Invitae), Labcorp
Classification: Uncertain significance for Gingival disorder. Last evaluated: 2026-01-04. Review status: criteria provided, single submitter. Criteria: Invitae Variant Classification Sherloc (09022015). Collection method: clinical testing. Allele origin: germline.
Comment: This sequence change replaces isoleucine, which is neutral and non-polar, with threonine, which is neutral and polar, at codon 147 of the FPR1 protein (p.Ile147Thr). This variant is present in population databases (rs142367736, gnomAD 0.06%), and has an allele count higher than expected for a pathogenic variant. This variant has not been reported in the literature in individuals affected with FPR1-related conditions. ClinVar contains an entry for this variant (Variation ID: 841167). An algorithm developed to predict the effect of missense changes on protein structure and function (PolyPhen-2) suggests that this variant is likely to be tolerated. In summary, the available evidence is currently insufficient to determine the role of this variant in disease. Therefore, it has been classified as a Variant of Uncertain Significance.

Revvity Omics, Revvity
Classification: Uncertain significance. Last evaluated: 2020-07-09. Review status: criteria provided, single submitter. Criteria: ACMG Guidelines, 2015. Collection method: clinical testing. Allele origin: germline.